The following is an entry in ClinVar:

NM_001278116.2(L1CAM):c.436G>T (p.Val146Leu)

Gene: L1CAM (L1 cell adhesion molecule; minus strand). Cytogenetic location: Xq28.
Variant type: single nucleotide variant.
Coding change: c.436G>T on transcript NM_001278116.2 (MANE Select); coding-DNA position 436, G replaced by T.
Protein change: p.Val146Leu; replaces valine 146 with leucine.
Molecular consequence: missense variant.
Genome position (GRCh38, 1-based): chrX:153,871,144, C>A on the plus strand (G>T on the coding strand, the complement: L1CAM is on the minus strand). VCF-style: chrX-153871144-C-A. GRCh37 (hg19) VCF-style: chrX-153136599-C-A.
Other names: c.436G>T, p.Val146Leu (NM_000425.5, NM_024003.3); c.421G>T, p.Val141Leu (NM_001143963.2); short protein forms V146L, V141L.
Identifiers: ClinVar variation 4747778 (VCV004747778.1).

ClinVar aggregate classification (germline): Uncertain significance (1 of 4 stars; one submission).

Conditions:
Spastic paraplegia. Identifiers: MedGen C0037772, HP:0001258.

gnomAD v4.1: 1 of 1,205,154 alleles (0.000083%); highest among the groups gnomAD compares: South Asian, 0.0018%; no homozygotes.

Submission:

Labcorp Genetics (formerly Invitae), Labcorp
Classification: Uncertain significance for Spastic paraplegia. Last evaluated: 2025-02-26. Review status: criteria provided, single submitter. Criteria: Invitae Variant Classification Sherloc (09022015). Collection method: clinical testing. Allele origin: germline.
Comment: This sequence change replaces valine, which is neutral and non-polar, with leucine, which is neutral and non-polar, at codon 146 of the L1CAM protein (p.Val146Leu). This variant is not present in population databases (gnomAD no frequency). This variant has not been reported in the literature in individuals affected with L1CAM-related conditions. Invitae Evidence Modeling of protein sequence and biophysical properties (such as structural, functional, and spatial information, amino acid conservation, physicochemical variation, residue mobility, and thermodynamic stability) indicates that this missense variant is not expected to disrupt L1CAM protein function with a negative predictive value of 95%. In summary, the available evidence is currently insufficient to determine the role of this variant in disease. Therefore, it has been classified as a Variant of Uncertain Significance.